The following is an entry in ClinVar:

ClinVar aggregate classification (germline): Uncertain significance. Review status: criteria provided, multiple submitters, no conflicts (2 of 4 stars). 2 submissions from 2 submitters: Uncertain significance (2). Last evaluated 2024-09-28.

Conditions:
X-linked lymphoproliferative disease due to XIAP deficiency. Also called: XIAP-Related Lymphoproliferative Disease, X-Linked; XIAP DEFICIENCY. Identifiers: Orphanet 2442, Orphanet 538934, MedGen C1845076, MONDO:0010385, OMIM 300635.

Allele frequency attached by ClinVar (database versions not stated): gnomAD exomes below 0.00001 and 0.00001.
gnomAD v4.1: 5 of 1,211,638 alleles (0.00041%); highest among the groups gnomAD compares: Admixed American, 0.0022%; no homozygotes.

Submissions (2):

Labcorp Genetics (formerly Invitae), Labcorp
Classification: Uncertain significance for X-linked lymphoproliferative disease due to XIAP deficiency. Last evaluated: 2024-09-28. Review status: criteria provided, single submitter. Criteria: Invitae Variant Classification Sherloc (09022015). Collection method: clinical testing. Allele origin: germline.
Comment: This sequence change replaces serine, which is neutral and polar, with asparagine, which is neutral and polar, at codon 421 of the XIAP protein (p.Ser421Asn). This variant is present in population databases (no rsID available, gnomAD 0.005%), including at least one homozygous and/or hemizygous individual. This missense change has been observed in individual(s) with clinical features of XIAP-related conditions (PMID: 34224783). ClinVar contains an entry for this variant (Variation ID: 1313347). Invitae Evidence Modeling of protein sequence and biophysical properties (such as structural, functional, and spatial information, amino acid conservation, physicochemical variation, residue mobility, and thermodynamic stability) indicates that this missense variant is not expected to disrupt XIAP protein function with a negative predictive value of 80%. In summary, the available evidence is currently insufficient to determine the role of this variant in disease. Therefore, it has been classified as a Variant of Uncertain Significance.

GeneDx
Classification: Uncertain significance. Last evaluated: 2020-10-09. Review status: criteria provided, single submitter. Criteria: GeneDx Variant Classification Process June 2021. Collection method: clinical testing. Allele origin: germline. Affected: yes.
Comment: In silico analysis supports that this missense variant does not alter protein structure/function; Has not been previously published as pathogenic or benign to our knowledge

Literature cited by the submitters: PubMed 34224783 (cited by Labcorp Genetics (formerly Invitae), Labcorp).

NM_001167.4(XIAP):c.1262G>A (p.Ser421Asn)

Gene: XIAP (X-linked inhibitor of apoptosis; plus strand). Cytogenetic location: Xq25.
Variant type: single nucleotide variant.
Coding change: c.1262G>A on transcript NM_001167.4 (MANE Select); coding-DNA position 1262, G replaced by A.
Protein change: p.Ser421Asn; replaces serine 421 with asparagine.
Molecular consequence: missense variant. On other transcripts: non-coding transcript variant (2).
Genome position (GRCh38, 1-based): chrX:123,900,655, G>A. VCF-style: chrX-123900655-G-A. GRCh37 (hg19) VCF-style: chrX-123034505-G-A.
Other names: c.1262G>A, p.Ser421Asn (NM_001204401.2, NM_001378590.1, NM_001378591.1 and 1 more transcripts); short protein forms S421N.
Identifiers: ClinVar variation 1313347 (VCV001313347.4), dbSNP rs1449553232, ClinGen allele CA414127532.